The following is an entry in ClinVar:

NM_001378454.1(ALMS1):c.1966G>T (p.Glu656Ter)

Gene: ALMS1 (ALMS1 centrosome and basal body associated protein; plus strand). Cytogenetic location: 2p13.1.
Variant type: single nucleotide variant.
Coding change: c.1966G>T on transcript NM_001378454.1 (MANE Select); coding-DNA position 1966, G replaced by T.
Protein change: p.Glu656Ter; replaces glutamic acid 656 with a stop codon.
Molecular consequence: nonsense.
Genome position (GRCh38, 1-based): chr2:73,448,493, G>T. VCF-style: chr2-73448493-G-T. GRCh37 (hg19) VCF-style: chr2-73675620-G-T.
Other names: c.1969G>T, p.Glu657Ter (NM_015120.4); short protein forms E656*, E657*.
Identifiers: ClinVar variation 1192258 (VCV001192258.1), dbSNP rs773971557, ClinGen allele CA347265981.
Genomic context (GRCh38, chr2:73,448,493, plus strand): 5'-TTACCAGAGAGTAACTTAACCGAAGAGCCTTTGGAAGTTTCAGCTGCTCCTGGCCCAGTG[G>T]AGCAGAAGACGGGAATACCTACAGTATCCTCTACATCCCACTCACATGTAGAGGACCTCC-3'

ClinVar aggregate classification (germline): Likely pathogenic (1 of 4 stars; one submission).

Conditions:
Alstrom syndrome (ALMS). Identifiers: Orphanet 64, MedGen C0268425, MONDO:0008763, OMIM 203800.

Submission:

Women's Health and Genetics/Laboratory Corporation of America, LabCorp
Classification: Likely pathogenic for Alstrom syndrome. Last evaluated: 2021-07-12. Review status: criteria provided, single submitter. Criteria: LabCorp Variant Classification Summary - May 2015. Collection method: clinical testing. Allele origin: germline.
Comment: Variant summary: ALMS1 c.1963G>T (p.Glu655X) results in a premature termination codon, predicted to cause a truncation of the encoded protein or absence of the protein due to nonsense mediated decay, which are commonly known mechanisms for disease. Truncations downstream of this position have been classified as pathogenic by our laboratory. The variant was absent in 248596 control chromosomes. To our knowledge, no occurrence of c.1963G>T in individuals affected with Alstrom Syndrome With Dilated Cardiomyopathy and no experimental evidence demonstrating its impact on protein function have been reported. However, a strong clustering of other truncating variants in exon 8 of the ALMS1 gene has been reported in patients with Alstrom syndrome (Marshall_2015 and the HGMD database). No clinical diagnostic laboratories have submitted clinical-significance assessments for this variant to ClinVar after 2014. Based on the evidence outlined above, the variant was classified as likely pathogenic.